The following is an entry in ClinVar:

NC_000012.12:g.121626812A>C

Genes: ORAI1 (ORAI calcium release-activated calcium modulator 1; plus strand), LOC130008987 (ATAC-STARR-seq lymphoblastoid silent region 4981; plus strand). Cytogenetic location: 12q24.31.
Variant type: single nucleotide variant.
Molecular consequence: non-coding transcript variant (on NR_186857.1).
Genome position: GRCh38 VCF-style: chr12-121626812-A-C. GRCh37 (hg19) VCF-style: chr12-122064717-A-C.
Identifiers: ClinVar variation 4789112 (VCV004789112.1).

ClinVar aggregate classification (germline): Uncertain significance (1 of 4 stars; one submission).

Conditions:
Combined immunodeficiency due to ORAI1 deficiency. Also called: IMMUNODEFICIENCY 9. Identifiers: Orphanet 169090, Orphanet 317428, MedGen C2748568, MONDO:0013007, OMIM 612782.
Myopathy, tubular aggregate, 2 (TAM2). Identifiers: MedGen C4014557, MONDO:0014383, OMIM 615883.

Submission:

Labcorp Genetics (formerly Invitae), Labcorp
Classification: Uncertain significance for Myopathy, tubular aggregate, 2; Combined immunodeficiency due to ORAI1 deficiency. Last evaluated: 2025-05-26. Review status: criteria provided, single submitter. Criteria: Invitae Variant Classification Sherloc (09022015). Collection method: clinical testing. Allele origin: germline.
Comment: This sequence change replaces threonine, which is neutral and polar, with proline, which is neutral and non-polar, at codon 24 of the ORAI1 protein (p.Thr24Pro). The frequency data for this variant in the population databases is considered unreliable, as metrics indicate poor data quality at this position in the gnomAD database. This variant has not been reported in the literature in individuals affected with ORAI1-related conditions. Experimental studies and prediction algorithms are not available or were not evaluated, and the functional significance of this variant is currently unknown. In summary, the available evidence is currently insufficient to determine the role of this variant in disease. Therefore, it has been classified as a Variant of Uncertain Significance.